The following is an entry in ClinVar:

NM_000179.3(MSH6):c.627+7C>G

Gene: MSH6 (mutS homolog 6; plus strand). Cytogenetic location: 2p16.3.
Variant type: single nucleotide variant.
Coding change: c.627+7C>G on transcript NM_000179.3 (MANE Select); 7 bases into the intron after coding-DNA position 627, C replaced by G.
Molecular consequence: intron variant.
Genome position (GRCh38, 1-based): chr2:47,796,070, C>G. VCF-style: chr2-47796070-C-G. GRCh37 (hg19) VCF-style: chr2-48023209-C-G.
Other names: c.-279-2541C>G (NM_001281493.2); c.238-2541C>G (NM_001281492.2); c.-276+7C>G (NM_001281494.2).
Identifiers: ClinVar variation 917626 (VCV000917626.6), dbSNP rs1553411516, ClinGen allele CA1139657000.

ClinVar aggregate classification (germline): Likely benign. Review status: criteria provided, multiple submitters, no conflicts (2 of 4 stars). 3 submissions from 3 submitters: Likely benign (3). Last evaluated 2025-04-28.

Conditions:
Hereditary nonpolyposis colorectal neoplasms. Identifiers: MedGen C0009405, MeSH D003123.
Lynch syndrome 5 (LYNCH5). Also called: Colorectal cancer, hereditary nonpolyposis, type 5; Hereditary non-polyposis colorectal cancer, type 5. Identifiers: Orphanet 144, MedGen C1833477, MONDO:0013710, OMIM 614350. Disease mechanism: loss of function.

Submissions (3):

Women's Health and Genetics/Laboratory Corporation of America, LabCorp
Classification: Likely benign. Last evaluated: 2025-04-28. Review status: criteria provided, single submitter. Criteria: LabCorp Variant Classification Summary - May 2015. Collection method: clinical testing. Allele origin: germline.

Myriad Genetics, Inc.
Classification: Likely benign for Lynch syndrome 5. Last evaluated: 2024-12-19. Review status: criteria provided, single submitter. Criteria: Myriad Autosomal Dominant, Autosomal Recessive and X-Linked Classification Criteria (2023). Collection method: clinical testing. Allele origin: unknown.
Comment: This variant is considered likely benign. This variant is intronic and is not expected to impact mRNA splicing.

Labcorp Genetics (formerly Invitae), Labcorp
Classification: Likely benign for Hereditary nonpolyposis colorectal neoplasms. Last evaluated: 2024-08-26. Review status: criteria provided, single submitter. Criteria: Invitae Variant Classification Sherloc (09022015). Collection method: clinical testing. Allele origin: germline.